The following is an entry in ClinVar:

ClinVar aggregate classification (germline): Conflicting classifications of pathogenicity. Review status: criteria provided, conflicting classifications (1 of 4 stars). 2 submissions from 2 submitters: Uncertain significance (1); Benign (1). Last evaluated 2025-07-29.

Conditions:
CREBBP-related disorder. Also called: CREBBP-related disorders; CREBBP-related condition.
Rubinstein-Taybi syndrome (RSTS). Identifiers: Orphanet 783, MedGen C0035934, MONDO:0019188.

Allele frequency attached by ClinVar (database versions not stated): gnomAD 0.00001; TOPMed 0.00001; ExAC 0.00002.

Submissions (2):

Labcorp Genetics (formerly Invitae), Labcorp
Classification: Benign for Rubinstein-Taybi syndrome. Last evaluated: 2025-07-29. Review status: criteria provided, single submitter. Criteria: Invitae Variant Classification Sherloc (09022015). Collection method: clinical testing. Allele origin: germline.

PreventionGenetics, part of Exact Sciences
Classification: Uncertain significance for CREBBP-related condition. Last evaluated: 2025-03-24. Review status: criteria provided, single submitter. Criteria: ACMG Guidelines, 2015. Collection method: clinical testing. Allele origin: germline.
Comment: The CREBBP c.2644C>T variant is predicted to result in the amino acid substitution p.Pro882Ser. To our knowledge, this variant has not been reported in the literature. This variant is reported in 0.0085% of alleles in individuals of Latino descent in gnomAD. Although we suspect that this variant may be benign, at this time, the clinical significance of this variant is uncertain due to the absence of conclusive functional and genetic evidence.

NM_004380.3(CREBBP):c.2644C>T (p.Pro882Ser)

Gene: CREBBP (CREB binding lysine acetyltransferase; minus strand). Cytogenetic location: 16p13.3.
Variant type: single nucleotide variant.
Coding change: c.2644C>T on transcript NM_004380.3 (MANE Select); coding-DNA position 2644, C replaced by T.
Protein change: p.Pro882Ser; replaces proline 882 with serine.
Molecular consequence: missense variant.
Genome position (GRCh38, 1-based): chr16:3,770,806, G>A on the plus strand (C>T on the coding strand, the complement: CREBBP is on the minus strand). VCF-style: chr16-3770806-G-A. GRCh37 (hg19) VCF-style: chr16-3820807-G-A.
Other names: c.2530C>T, p.Pro844Ser (NM_001079846.1); c.2644C>T (NM_004380.2); short protein forms P844S, P882S.
Identifiers: ClinVar variation 2082130 (VCV002082130.5), dbSNP rs750112034, ClinGen allele CA7870058.